The following is an entry in ClinVar:

NM_020987.5(ANK3):c.12245-4G>A

Gene: ANK3 (ankyrin 3; minus strand). Cytogenetic location: 10q21.2.
Variant type: single nucleotide variant.
Coding change: c.12245-4G>A on transcript NM_020987.5 (MANE Select); 4 bases into the intron before coding-DNA position 12245, G replaced by A.
Molecular consequence: intron variant.
Genome position (GRCh38, 1-based): chr10:60,068,013, C>T on the plus strand (G>A on the coding strand, the complement: ANK3 is on the minus strand). VCF-style: chr10-60068013-C-T. GRCh37 (hg19) VCF-style: chr10-61827771-C-T.
Other names: c.4388-4G>A (NM_001204403.2); c.4409-4G>A (NM_001204404.2); c.4406-4G>A (NM_001320874.2); c.1808-4G>A (NM_001149.4).
Identifiers: ClinVar variation 1337481 (VCV001337481.4), dbSNP rs527940388, ClinGen allele CA5510930.
Genomic context (GRCh38, chr10:60,068,013, plus strand): 5'-GGTGATCGGCTACTATTGCCATCCTGATATCTGTCCGTTCACATGGACTCTGTGGACCTA[C>T]GATTTACAATTTCTTAATTAAAATAATCATCAAGAAAGATACGATACTGGAAAATTGCTT-3'

ClinVar aggregate classification (germline): Uncertain significance (1 of 4 stars; one submission).

Allele frequency attached by ClinVar (database versions not stated): gnomAD 0.00001; gnomAD exomes 0.00005 and 0.00009; ExAC 0.00010; 1000 Genomes Project 30x 0.00016; 1000 Genomes Project 0.00020.
gnomAD v4.1: 71 of 1,596,646 alleles (0.0044%); highest among the groups gnomAD compares: South Asian, 0.06%; no homozygotes.

Submission:

Genetic Services Laboratory, University of Chicago
Classification: Uncertain significance. Last evaluated: 2019-12-27. Review status: criteria provided, single submitter. Criteria: ACMG Guidelines, 2015. Collection method: clinical testing. Allele origin: germline. Affected: no.
Comment: DNA sequence analysis of the ANK3 gene demonstrated a sequence change in intron 37, c.12245-4G>A. This change does not appear to have been previously described in patients with ANK3-related disorders and has been described in the gnomAD database with a frequency of 0.06% in South Asian populations (dbSNP rs527940388). This sequence change is predicted to have a deleterious effect on splicing based on in silico splice prediction programs. It is possible that this sequence change represents a benign sequence change in the ANK3 gene that has not been identified to date. The functional significance of this sequence change is not known at present and its contribution to this patient's disease phenotype cannot definitively be determined.